The following is an entry in ClinVar:

ClinVar aggregate classification (germline): Likely benign (0 of 4 stars; one submission).

Conditions:
PEX1-related disorder. Also called: PEX1-related condition.

Submission:

PreventionGenetics, part of Exact Sciences
Classification: Likely benign for PEX1-related condition. Last evaluated: 2024-06-08. Review status: no assertion criteria provided. Collection method: clinical testing. Allele origin: germline.
Comment: This variant is classified as likely benign based on ACMG/AMP sequence variant interpretation guidelines (Richards et al. 2015 PMID: 25741868, with internal and published modifications).

NM_000466.3(PEX1):c.2946T>C (p.Ala982=)

Genes: GATAD1 (GATA zinc finger domain containing 1; plus strand), PEX1 (peroxisomal biogenesis factor 1; minus strand). Cytogenetic location: 7q21.2.
Variant type: single nucleotide variant.
Coding change: c.2946T>C on transcript NM_000466.3 (MANE Select); coding-DNA position 2946, T replaced by C.
Protein change: p.Ala982=; no amino-acid change (alanine 982 retained).
Molecular consequence: synonymous variant.
Genome position (GRCh38, 1-based): chr7:92,494,377, A>G on the plus strand (T>C on the coding strand, the complement: PEX1 is on the minus strand). VCF-style: chr7-92494377-A-G. GRCh37 (hg19) VCF-style: chr7-92123691-A-G.
Other names: c.2775T>C, p.Ala925= (NM_001282677.2); c.2322T>C, p.Ala774= (NM_001282678.2).
Identifiers: ClinVar variation 3346516 (VCV003346516.1).